The following is an entry in ClinVar:

NM_014000.3(VCL):c.2950-22C>G

Gene: VCL (vinculin; plus strand). Cytogenetic location: 10q22.2.
Variant type: single nucleotide variant.
Coding change: c.2950-22C>G on transcript NM_014000.3 (MANE Select); 22 bases into the intron before coding-DNA position 2950, C replaced by G.
Molecular consequence: intron variant.
Genome position (GRCh38, 1-based): chr10:74,114,162, C>G. VCF-style: chr10-74114162-C-G. GRCh37 (hg19) VCF-style: chr10-75873920-C-G.
Other names: c.2746-22C>G (NM_003373.4).
Identifiers: ClinVar variation 671288 (VCV000671288.6), dbSNP rs71579378, ClinGen allele CA5563357.

ClinVar aggregate classification (germline): Likely benign. Review status: criteria provided, multiple submitters, no conflicts (2 of 4 stars). 5 submissions from 5 submitters: Likely benign (2). 3 of the submissions do not count toward it. Last evaluated 2018-06-14.

Allele frequency attached by ClinVar (database versions not stated): 1000 Genomes Project 0.00280; 1000 Genomes Project 30x 0.00344; ExAC 0.00720; gnomAD exomes 0.00720 and 0.01118; gnomAD 0.00745 and 0.00753; TOPMed 0.00768; ESP Exome Variant Server 0.00976.
gnomAD v4.1: 17,446 of 1,612,196 alleles (1.1%); highest among the groups gnomAD compares: Non-Finnish European, 1.3%; 108 homozygotes.

Submissions (5):

GeneDx
Classification: Likely benign. Last evaluated: 2018-06-14. Review status: criteria provided, single submitter. Criteria: GeneDx Variant Classification (06012015). Collection method: clinical testing. Allele origin: germline. Affected: yes.
Comment: This variant is considered likely benign or benign based on one or more of the following criteria: it is a conservative change, it occurs at a poorly conserved position in the protein, it is predicted to be benign by multiple in silico algorithms, and/or has population frequency not consistent with disease.

Breakthrough Genomics
Classification: Likely benign. Review status: criteria provided, single submitter. Criteria: ACMG Guidelines, 2015. Collection method: not provided. Allele origin: germline. Inheritance: Autosomal dominant inheritance. Affected: yes.

Clinical Genetics DNA and cytogenetics Diagnostics Lab, Erasmus MC, Erasmus Medical Center
Classification: Benign. Review status: no assertion criteria provided. Collection method: clinical testing. Allele origin: germline. Affected: yes. Study: VKGL Data-share Consensus. Not counted in ClinVar's aggregate classification.

Genome Diagnostics Laboratory, University Medical Center Utrecht
Classification: Benign. Review status: no assertion criteria provided. Collection method: clinical testing. Allele origin: germline. Affected: yes. Study: VKGL Data-share Consensus. Not counted in ClinVar's aggregate classification.

Joint Genome Diagnostic Labs from Nijmegen and Maastricht, Radboudumc and MUMC+
Classification: Benign. Review status: no assertion criteria provided. Collection method: clinical testing. Allele origin: germline. Affected: yes. Study: VKGL Data-share Consensus. Not counted in ClinVar's aggregate classification.